The following is an entry in ClinVar:

ClinVar aggregate classification (germline): Uncertain significance. Review status: criteria provided, multiple submitters, no conflicts (2 of 4 stars). 2 submissions from 2 submitters: Uncertain significance (2). Last evaluated 2026-02-21.

Conditions:
Tumor predisposition syndrome 3 (TPDS3). Also called: Glioma susceptibility 9; LONG TELOMERE SYNDROME, POT1-RELATED; POT1 Tumor Predisposition; Melanoma, cutaneous malignant, susceptibility to, 10. Identifiers: Orphanet 618, MedGen C4014476, MONDO:0014368, OMIM 615848.
Hereditary cancer-predisposing syndrome. Also called: Hereditary neoplastic syndrome; Hereditary Cancer Syndrome; Neoplastic Syndromes, Hereditary; Tumor predisposition. Identifiers: Orphanet 140162, MedGen C0027672, MeSH D009386, MONDO:0015356.

Allele frequency attached by ClinVar (database versions not stated): gnomAD exomes 0.00001; ExAC 0.00002.

Submissions (2):

Ambry Genetics
Classification: Uncertain significance for Hereditary cancer-predisposing syndrome. Last evaluated: 2026-02-21. Review status: criteria provided, single submitter. Criteria: Ambry Variant Classification Scheme 2023. Collection method: clinical testing. Allele origin: germline.
Comment: The p.I96V variant (also known as c.286A>G), located in coding exon 4 of the POT1 gene, results from an A to G substitution at nucleotide position 286. The isoleucine at codon 96 is replaced by valine, an amino acid with highly similar properties. This amino acid position is conserved. In addition, this alteration is predicted to be tolerated by in silico analysis. Based on the available evidence, the clinical significance of this variant remains unclear.

Labcorp Genetics (formerly Invitae), Labcorp
Classification: Uncertain significance for Tumor predisposition syndrome 3. Last evaluated: 2026-02-02. Review status: criteria provided, single submitter. Criteria: Invitae Variant Classification Sherloc (09022015). Collection method: clinical testing. Allele origin: germline.
Comment: This sequence change replaces isoleucine, which is neutral and non-polar, with valine, which is neutral and non-polar, at codon 96 of the POT1 protein (p.Ile96Val). This variant is present in population databases (rs778571153, gnomAD 0.01%). This variant has not been reported in the literature in individuals affected with POT1-related conditions. ClinVar contains an entry for this variant (Variation ID: 475079). Invitae Evidence Modeling of protein sequence and biophysical properties (such as structural, functional, and spatial information, amino acid conservation, physicochemical variation, residue mobility, and thermodynamic stability) indicates that this missense variant is not expected to disrupt POT1 protein function with a negative predictive value of 80%. In summary, the available evidence is currently insufficient to determine the role of this variant in disease. Therefore, it has been classified as a Variant of Uncertain Significance.

NM_015450.3(POT1):c.286A>G (p.Ile96Val)

Gene: POT1 (protection of telomeres 1; minus strand). Cytogenetic location: 7q31.33.
Variant type: single nucleotide variant.
Coding change: c.286A>G on transcript NM_015450.3 (MANE Select); coding-DNA position 286, A replaced by G.
Protein change: p.Ile96Val; replaces isoleucine 96 with valine.
Molecular consequence: missense variant. On other transcripts: 5 prime UTR variant (1), non-coding transcript variant (3).
Genome position (GRCh38, 1-based): chr7:124,863,610, T>C on the plus strand (A>G on the coding strand, the complement: POT1 is on the minus strand). VCF-style: chr7-124863610-T-C. GRCh37 (hg19) VCF-style: chr7-124503664-T-C.
Other names: c.-108A>G (NM_001042594.2); short protein forms I96V.
Identifiers: ClinVar variation 475079 (VCV000475079.10), dbSNP rs778571153, ClinGen allele CA4465461.